The following is an entry in ClinVar:

ClinVar aggregate classification (germline): Uncertain significance (1 of 4 stars; one submission).

Conditions:
Nemaline myopathy 2 (NEM2). Also called: Nemaline myopathy 2, autosomal recessive. Identifiers: MedGen C1850569, MONDO:0009725, OMIM 256030.

Allele frequency attached by ClinVar (database versions not stated): gnomAD exomes below 0.00001 and 0.00001.
gnomAD v4.1: 10 of 1,597,746 alleles (0.00063%); highest among the groups gnomAD compares: Non-Finnish European, 0.00085%; no homozygotes.

Submission:

Labcorp Genetics (formerly Invitae), Labcorp
Classification: Uncertain significance for Nemaline myopathy 2. Last evaluated: 2020-02-02. Review status: criteria provided, single submitter. Criteria: Invitae Variant Classification Sherloc (09022015). Collection method: clinical testing. Allele origin: germline.
Comment: In summary, the available evidence is currently insufficient to determine the role of this variant in disease. Therefore, it has been classified as a Variant of Uncertain Significance. Algorithms developed to predict the effect of missense changes on protein structure and function are either unavailable or do not agree on the potential impact of this missense change (SIFT: "Deleterious"; PolyPhen-2: "Not Available"; Align-GVGD: "Class C0"). This variant has not been reported in the literature in individuals with NEB-related conditions. This variant is not present in population databases (ExAC no frequency). This sequence change replaces alanine with valine at codon 1528 of the NEB protein (p.Ala1528Val). The alanine residue is moderately conserved and there is a small physicochemical difference between alanine and valine.

NM_001164508.2(NEB):c.4583C>T (p.Ala1528Val)

Gene: NEB (nebulin; minus strand). Cytogenetic location: 2q23.3.
Variant type: single nucleotide variant.
Coding change: c.4583C>T on transcript NM_001164508.2 (MANE Select); coding-DNA position 4583, C replaced by T.
Protein change: p.Ala1528Val; replaces alanine 1528 with valine.
Molecular consequence: missense variant.
Genome position (GRCh38, 1-based): chr2:151,669,055, G>A on the plus strand (C>T on the coding strand, the complement: NEB is on the minus strand). VCF-style: chr2-151669055-G-A. GRCh37 (hg19) VCF-style: chr2-152525569-G-A.
Other names: c.4583C>T, p.Ala1528Val (NM_001164507.2, NM_001271208.2, NM_004543.5); short protein forms A1528V.
Identifiers: ClinVar variation 1055314 (VCV001055314.9), dbSNP rs1023227996, ClinGen allele CA57648361.